The following is an entry in ClinVar:

ClinVar aggregate classification (germline): Likely benign (1 of 4 stars; one submission).

Submission:

CeGaT Center for Human Genetics Tuebingen
Classification: Likely benign. Last evaluated: 2026-01-01. Review status: criteria provided, single submitter. Criteria: CeGaT Center For Human Genetics Tuebingen Variant Classification Criteria Version 2. Collection method: clinical testing. Allele origin: germline. Affected: yes. Observed: 1 variant allele.
Comment: MUC4: BP4, BP7

NM_018406.7(MUC4):c.8397C>T (p.Thr2799=)

Gene: MUC4 (mucin 4, cell surface associated). Cytogenetic location: 3q29.
Variant type: single nucleotide variant.
Coding change: c.8397C>T on transcript NM_018406.7 (MANE Select); coding-DNA position 8397, C replaced by T.
Protein change: p.Thr2799=; no amino-acid change (threonine 2799 retained).
Molecular consequence: synonymous variant. On other transcripts: intron variant (2).
Genome position (GRCh38, 1-based): chr3:195,783,183, G>A on the plus strand (C>T on the coding strand, the complement: MUC4 is on the minus strand). VCF-style: chr3-195783183-G-A. GRCh37 (hg19) VCF-style: chr3-195510054-G-A.
Other names: c.83-8878C>T (NM_138297.5); c.83-4728C>T (NM_004532.6).
Identifiers: ClinVar variation 4821694 (VCV004821694.4).